The following is an entry in ClinVar:

NM_002473.6(MYH9):c.54C>A (p.Asn18Lys)

Gene: MYH9 (myosin heavy chain 9; minus strand). Cytogenetic location: 22q12.3.
Variant type: single nucleotide variant.
Coding change: c.54C>A on transcript NM_002473.6 (MANE Select); coding-DNA position 54, C replaced by A.
Protein change: p.Asn18Lys; replaces asparagine 18 with lysine.
Molecular consequence: missense variant.
Genome position (GRCh38, 1-based): chr22:36,349,183, G>T on the plus strand (C>A on the coding strand, the complement: MYH9 is on the minus strand). VCF-style: chr22-36349183-G-T. GRCh37 (hg19) VCF-style: chr22-36745228-G-T.
Other names: short protein forms N18K.
Identifiers: ClinVar variation 1995870 (VCV001995870.4), dbSNP rs748468366, ClinGen allele CA10210731.

ClinVar aggregate classification (germline): Uncertain significance (1 of 4 stars; one submission).

gnomAD v4.1: 7 of 1,614,108 alleles (0.00043%); highest among the groups gnomAD compares: African/African-American, 0.0093%; no homozygotes.

Submission:

Labcorp Genetics (formerly Invitae), Labcorp
Classification: Uncertain significance. Last evaluated: 2022-07-15. Review status: criteria provided, single submitter. Criteria: Invitae Variant Classification Sherloc (09022015). Collection method: clinical testing. Allele origin: germline.
Comment: This sequence change replaces asparagine, which is neutral and polar, with lysine, which is basic and polar, at codon 18 of the MYH9 protein (p.Asn18Lys). This variant is present in population databases (rs748468366, gnomAD 0.01%). This variant has not been reported in the literature in individuals affected with MYH9-related conditions. Algorithms developed to predict the effect of missense changes on protein structure and function are either unavailable or do not agree on the potential impact of this missense change (SIFT: "Deleterious"; PolyPhen-2: "Possibly Damaging"; Align-GVGD: "Class C0"). In summary, the available evidence is currently insufficient to determine the role of this variant in disease. Therefore, it has been classified as a Variant of Uncertain Significance.